The following is an entry in ClinVar:

NM_015271.5(TRIM2):c.1141G>C (p.Asp381His)

Gene: TRIM2 (tripartite motif containing 2; plus strand). Cytogenetic location: 4q31.3.
Variant type: single nucleotide variant.
Coding change: c.1141G>C on transcript NM_015271.5 (MANE Select); coding-DNA position 1141, G replaced by C.
Protein change: p.Asp381His; replaces aspartic acid 381 with histidine.
Molecular consequence: missense variant.
Genome position (GRCh38, 1-based): chr4:153,295,667, G>C. VCF-style: chr4-153295667-G-C. GRCh37 (hg19) VCF-style: chr4-154216819-G-C.
Other names: c.1060G>C, p.Asp354His (NM_001130067.2, NM_001351056.2, NM_001375512.1 and 5 more transcripts); c.1114G>C, p.Asp372His (NM_001351054.2); c.1111G>C, p.Asp371His (NM_001351055.2); c.685G>C, p.Asp229His (NM_001351057.2); c.1234G>C, p.Asp412His (NM_001375488.1); c.1231G>C, p.Asp411His (NM_001375489.1); c.1084G>C, p.Asp362His (NM_001375490.1); c.1081G>C, p.Asp361His (NM_001375491.1); and 3 more; short protein forms D269H, D354H, D270H, D362H, D372H, D381H, D361H, D229H.
Identifiers: ClinVar variation 2078117 (VCV002078117.4), dbSNP rs2546529123, ClinGen allele CA358473054.
Genomic context (GRCh38, chr4:153,295,667, plus strand): 5'-GGGCTGCGGCAGACCATCATCGGGCAGCCCATGTCCGTCACCATCACCACCAAGGACAAA[G>C]ACGGTGAGCTGTGCAAAACCGGCAACGCCTACCTCACCGCCGAACTGAGCACCCCCGACG-3'
Protein context (NP_056086.2, residues 371-391): MSVTITTKDK[Asp381His]GELCKTGNAY

ClinVar aggregate classification (germline): Uncertain significance (1 of 4 stars; one submission).

Conditions:
Charcot-Marie-Tooth disease type 2R. Also called: CHARCOT-MARIE-TOOTH DISEASE, AXONAL, AUTOSOMAL RECESSIVE, TYPE 2R; CHARCOT-MARIE-TOOTH NEUROPATHY, TYPE 2R; Charcot-Marie-Tooth disease, axonal, type 2R. Identifiers: Orphanet 397968, MedGen C3809655, MONDO:0014208, OMIM 615490.

Submission:

Labcorp Genetics (formerly Invitae), Labcorp
Classification: Uncertain significance for Charcot-Marie-Tooth disease type 2R. Last evaluated: 2022-01-12. Review status: criteria provided, single submitter. Criteria: Invitae Variant Classification Sherloc (09022015). Collection method: clinical testing. Allele origin: germline.
Comment: This variant has not been reported in the literature in individuals affected with TRIM2-related conditions. This sequence change replaces aspartic acid, which is acidic and polar, with histidine, which is basic and polar, at codon 354 of the TRIM2 protein (p.Asp354His). This variant is not present in population databases (gnomAD no frequency). Algorithms developed to predict the effect of missense changes on protein structure and function are either unavailable or do not agree on the potential impact of this missense change (SIFT: "Deleterious"; PolyPhen-2: "Possibly Damaging"; Align-GVGD: "Class C0"). In summary, the available evidence is currently insufficient to determine the role of this variant in disease. Therefore, it has been classified as a Variant of Uncertain Significance.